The following is an entry in ClinVar:

ClinVar aggregate classification (germline): Conflicting classifications of pathogenicity. Review status: criteria provided, conflicting classifications (1 of 4 stars). 2 submissions from 2 submitters: Likely pathogenic (1); Uncertain significance (1). Last evaluated 2025-11-10.

Conditions:
Cognitive impairment with or without cerebellar ataxia (CIAT). Identifiers: MedGen C3280415, MONDO:0013680, OMIM 614306.
Developmental and epileptic encephalopathy, 13 (DEE13). Also called: Developmental and Epileptic Encephalopathy (SCN8A-DEE); Early infantile epileptic encephalopathy 13; SCN8A-Related Epilepsy. Identifiers: Orphanet 442835, MedGen C3281191, MONDO:0013801, OMIM 614558.

Submissions (2):

Institute of Human Genetics, Heidelberg University
Classification: Likely pathogenic for Cognitive impairment with or without cerebellar ataxia. Last evaluated: 2025-11-10. Review status: criteria provided, single submitter. Criteria: ACMG Guidelines, 2015. Collection method: clinical testing. Allele origin: maternal. Affected: yes. Observed: 2 variant alleles.
Comment: PVS1, PM2_supp

Institute of Human Genetics, University of Leipzig Medical Center
Classification: Uncertain significance for Developmental and epileptic encephalopathy, 13. Last evaluated: 2021-07-15. Review status: criteria provided, single submitter. Criteria: ACMG Guidelines, 2015. Collection method: clinical testing. Allele origin: unknown. Affected: yes.
Comment: downgraded to PVS1_STR and to VUS because of less evidence that truncating variants cause disease

NM_001330260.2(SCN8A):c.4033G>T (p.Gly1345Ter)

Gene: SCN8A (sodium voltage-gated channel alpha subunit 8; plus strand). Cytogenetic location: 12q13.13.
Variant type: single nucleotide variant.
Coding change: c.4033G>T on transcript NM_001330260.2 (MANE Select); coding-DNA position 4033, G replaced by T.
Protein change: p.Gly1345Ter; replaces glycine 1345 with a stop codon.
Molecular consequence: nonsense.
Genome position (GRCh38, 1-based): chr12:51,786,632, G>T. VCF-style: chr12-51786632-G-T. GRCh37 (hg19) VCF-style: chr12-52180416-G-T.
Other names: c.3910G>T, p.Gly1304Ter (NM_001177984.3, NM_001369788.1); c.4033G>T, p.Gly1345Ter (NM_014191.4); short protein forms G1304*, G1345*.
Identifiers: ClinVar variation 1297013 (VCV001297013.2), dbSNP rs1555228329, ClinGen allele CA384905043.
Genomic context (GRCh38, chr12:51,786,632, plus strand): 5'-CCCTCCATCATGAATGTGCTGCTGGTGTGTCTCATCTTCTGGCTGATTTTCAGCATCATG[G>T]GAGTTAACTTGTTTGCGGGAAAGTACCACTACTGCTTTAATGAGACTTCTGAAATCCGAT-3'